The following is an entry in ClinVar:

NM_007289.4(MME):c.941T>C (p.Leu314Pro)

Gene: MME (membrane metalloendopeptidase; plus strand). Cytogenetic location: 3q25.2.
Variant type: single nucleotide variant.
Coding change: c.941T>C on transcript NM_007289.4 (MANE Select); coding-DNA position 941, T replaced by C.
Protein change: p.Leu314Pro; replaces leucine 314 with proline.
Molecular consequence: missense variant.
Genome position (GRCh38, 1-based): chr3:155,140,276, T>C. VCF-style: chr3-155140276-T-C. GRCh37 (hg19) VCF-style: chr3-154858065-T-C.
Other names: c.941T>C, p.Leu314Pro (NM_000902.5, NM_001354642.2, NM_001354643.1 and 2 more transcripts); short protein forms L314P.
Identifiers: ClinVar variation 3365408 (VCV003365408.2).

ClinVar aggregate classification (germline): Uncertain significance. Review status: criteria provided, multiple submitters, no conflicts (2 of 4 stars). 2 submissions from 2 submitters: Uncertain significance (2). Last evaluated 2025-08-08.

Conditions:
Inborn genetic diseases. Identifiers: MedGen C0950123, MeSH D030342.

gnomAD v4.1: 12 of 1,608,852 alleles (0.00075%); highest among the groups gnomAD compares: Admixed American, 0.02%; no homozygotes.

Submissions (2):

Ambry Genetics
Classification: Uncertain significance for Inborn genetic diseases. Last evaluated: 2025-08-08. Review status: criteria provided, single submitter. Criteria: Ambry Variant Classification Scheme 2023. Collection method: clinical testing. Allele origin: germline.

GeneDx
Classification: Uncertain significance. Last evaluated: 2023-12-11. Review status: criteria provided, single submitter. Criteria: GeneDx Variant Classification Process June 2021. Collection method: clinical testing. Allele origin: germline. Affected: yes.
Comment: In silico analysis supports that this missense variant does not alter protein structure/function; Has not been previously published as pathogenic or benign to our knowledge